The following is an entry in ClinVar:

ClinVar aggregate classification (germline): Uncertain significance (1 of 4 stars; one submission).

Conditions:
Low phospholipid associated cholelithiasis (GBD1). Also called: Gallbladder disease 1; Gallstone cholecystitis. Identifiers: Orphanet 69663, MedGen C2609268, MONDO:0010939, OMIM 600803.

Submission:

Genomenon, Inc
Classification: Uncertain significance for Low phospholipid associated cholelithiasis. Last evaluated: 2026-04-14. Review status: criteria provided, single submitter. Criteria: Genomenon Sequence Variant Interpretation Standards - Updated. Collection method: curation. Allele origin: germline. Affected: yes.
Comment: ABCB4 p.Ser1176Leu (c.3527C>T) is a missense variant that changes the amino acid at residue 1176 from Serine to Leucine. This variant has been observed in at least one proband with an ABCB4-related disorder (PMID:28012258). At least one functional study has demonstrated a substantial alteration in protein function relative to the wild-type (PMID:28012258). It is absent or not present at a significant frequency in gnomAD. In silico models predict that this variant is possibly or probably damaging. In conclusion, we classify ABCB4 p.Ser1176Leu (c.3527C>T) as a variant of uncertain significance.

Literature cited by the submitters: PubMed 28012258.

NM_000443.4(ABCB4):c.3527C>T (p.Ser1176Leu)

Gene: ABCB4 (ATP binding cassette subfamily B member 4; minus strand). Cytogenetic location: 7q21.12.
Variant type: single nucleotide variant.
Coding change: c.3527C>T on transcript NM_000443.4 (MANE Select); coding-DNA position 3527, C replaced by T.
Protein change: p.Ser1176Leu; replaces serine 1176 with leucine.
Molecular consequence: missense variant.
Genome position (GRCh38, 1-based): chr7:87,403,241, G>A on the plus strand (C>T on the coding strand, the complement: ABCB4 is on the minus strand). VCF-style: chr7-87403241-G-A. GRCh37 (hg19) VCF-style: chr7-87032557-G-A.
Other names: c.3548C>T, p.Ser1183Leu (NM_018849.3); c.3386C>T, p.Ser1129Leu (NM_018850.3); short protein forms S1129L, S1176L, S1183L.
Identifiers: ClinVar variation 4846615 (VCV004846615.1).
Genomic context (GRCh38, chr7:87,403,241, plus strand): 5'-AGGATTTGAGGTTGTCTGATGAGGGCTCGGGCAATAGCAATCCTCTGTTTTTGACCTCCT[G>A]AGAGCTGAGTCCCCTTATCTCCCACTCTTGTTTCATATTTCTGCAAGTTAACCAAATTAT-3'
Protein context (NP_000434.1, residues 1166-1186): TRVGDKGTQL[Ser1176Leu]GGQKQRIAIA